The following is an entry in ClinVar:

ClinVar aggregate classification (germline): Pathogenic/Likely pathogenic. Review status: criteria provided, multiple submitters, no conflicts (2 of 4 stars). 3 submissions from 3 submitters: Pathogenic (2); Likely pathogenic (1). Last evaluated 2025-10-29.

Conditions:
Inborn genetic diseases. Identifiers: MedGen C0950123, MeSH D030342.
TWIST1-related craniosynostosis (CRS1). Also called: CRANIOSYNOSTOSIS 1. Identifiers: Orphanet 63440, MedGen C4551902, MONDO:0007399, OMIM 123100. Inheritance: Heterogenous inheritance pattern.

Submissions (3):

Ambry Genetics
Classification: Pathogenic for Inborn genetic diseases. Last evaluated: 2025-10-29. Review status: criteria provided, single submitter. Criteria: Ambry Variant Classification Scheme 2023. Collection method: clinical testing. Allele origin: germline.
Comment: The c.427delC (p.R143Afs*128) alteration, located in exon 4 (coding exon 4) of the ERF gene, consists of a deletion of one nucleotide at position 427, causing a translational frameshift with a predicted alternate stop codon after 128 amino acids. This variant is not expected to trigger nonsense-mediated mRNA decay, and impacts the last 74% of the protein. However, premature stop codons are typically deleterious in nature and a significant portion of the protein is affected (Ambry internal data). This variant was not reported in population-based cohorts in the Genome Aggregation Database (gnomAD). Based on the available evidence, this alteration is classified as pathogenic.

GeneDx
Classification: Likely pathogenic. Last evaluated: 2025-07-09. Review status: criteria provided, single submitter. Criteria: GeneDx Variant Classification Process June 2021. Collection method: clinical testing. Allele origin: germline. Affected: yes.
Comment: Frameshift variant predicted to result in abnormal protein length as the last 406 amino acids are replaced with 127 different amino acids, and other similar variants have been reported in HGMD; Not observed at significant frequency in large population cohorts (gnomAD); Has not been previously published as pathogenic or benign to our knowledge

Labcorp Genetics (formerly Invitae), Labcorp
Classification: Pathogenic for TWIST1-related craniosynostosis. Last evaluated: 2019-08-17. Review status: criteria provided, single submitter. Criteria: Invitae Variant Classification Sherloc (09022015). Collection method: clinical testing. Allele origin: germline.
Comment: For these reasons, this variant has been classified as Pathogenic. This variant disrupts the C-terminus of the ERF protein. Other variant(s) that disrupt this region (p.Gly299Argfs*9) have been determined to be pathogenic (PMID: 23354439, Invitae). This suggests that variants that disrupt this region of the protein are likely to be causative of disease. This variant has not been reported in the literature in individuals with ERF-related conditions. This variant is not present in population databases (ExAC no frequency). This sequence change results in a premature translational stop signal in the ERF gene (p.Arg143Alafs*128). While this is not anticipated to result in nonsense mediated decay, it is expected to disrupt the last 406 amino acids of the ERF protein.

Literature cited by the submitters: PubMed 23354439 (cited by Labcorp Genetics (formerly Invitae), Labcorp).

NM_006494.4(ERF):c.427del (p.Arg143fs)

Gene: ERF (ETS2 repressor factor; minus strand). Cytogenetic location: 19q13.2.
Variant type: Deletion.
Coding change: c.427del on transcript NM_006494.4 (MANE Select); coding-DNA position 427, one base deleted (C; older notation c.427delC).
Protein change: p.Arg143fs; shifts the reading frame from arginine 143.
Molecular consequence: frameshift variant.
Genome position (GRCh38, 1-based): chr19:42,249,685, G deleted on the plus strand (C on the coding strand, the reverse complement: ERF is on the minus strand); the first of 2 consecutive G bases (chr19:42,249,685-42,249,686); deleting either gives the same sequence. VCF-style (leftmost placement, unchanged base first): chr19-42249684-CG-C. GRCh37 (hg19) VCF-style: chr19-42753836-CG-C.
Other names: c.427del (NM_006494.2); c.202del, p.Arg68fs (NM_001301035.2, NM_001308402.2, NM_001312656.2); c.427delC (NM_006494.2); short protein forms R143fs, R68fs.
Identifiers: ClinVar variation 964211 (VCV000964211.12), dbSNP rs2036410199, ClinGen allele CA1139666473.